The following is an entry in ClinVar:

ClinVar aggregate classification (germline): Uncertain significance (1 of 4 stars; one submission).

Allele frequency attached by ClinVar (database versions not stated): TOPMed below 0.00001; ExAC 0.00001; gnomAD 0.00002; gnomAD exomes 0.00003.
gnomAD v4.1: 46 of 1,613,922 alleles (0.0029%); highest among the groups gnomAD compares: South Asian, 0.0066%; no homozygotes.

Submission:

GeneDx
Classification: Uncertain significance. Last evaluated: 2022-05-16. Review status: criteria provided, single submitter. Criteria: GeneDx Variant Classification Process June 2021. Collection method: clinical testing. Allele origin: germline. Affected: yes.
Comment: In silico analysis supports that this missense variant has a deleterious effect on protein structure/function; Has not been previously published as pathogenic or benign to our knowledge

NM_052865.4(MGME1):c.761C>T (p.Thr254Ile)

Gene: MGME1 (mitochondrial genome maintenance exonuclease 1; plus strand). Cytogenetic location: 20p11.23.
Variant type: single nucleotide variant.
Coding change: c.761C>T on transcript NM_052865.4 (MANE Select); coding-DNA position 761, C replaced by T.
Protein change: p.Thr254Ile; replaces threonine 254 with isoleucine.
Molecular consequence: missense variant. On other transcripts: intron variant (1).
Genome position (GRCh38, 1-based): chr20:17,988,195, C>T. VCF-style: chr20-17988195-C-T. GRCh37 (hg19) VCF-style: chr20-17968838-C-T.
Other names: c.806C>T, p.Thr269Ile (NM_001310338.2); c.521C>T, p.Thr174Ile (NM_001363738.2); c.512-1744C>T (NM_001310339.2); short protein forms T174I, T254I, T269I.
Identifiers: ClinVar variation 1800621 (VCV001800621.1), dbSNP rs757637035, ClinGen allele CA9775034.